The following is an entry in ClinVar:

NM_000138.5(FBN1):c.2903_2910dup (p.Ile971fs)

Gene: FBN1 (fibrillin 1; minus strand). Cytogenetic location: 15q21.1.
Variant type: Duplication.
Coding change: c.2903_2910dup on transcript NM_000138.5 (MANE Select); coding-DNA positions 2903 to 2910, 8 bases duplicated (CCCTGCCT; older notation c.2903_2910dupCCCTGCCT).
Protein change: p.Ile971fs; shifts the reading frame from isoleucine 971.
Molecular consequence: frameshift variant.
Genome position (GRCh38, 1-based): chr15:48,490,023-48,490,030, AGGCAGGG duplicated on the plus strand (CCCTGCCT on the coding strand, the reverse complement: FBN1 is on the minus strand). VCF-style (leftmost placement, unchanged base first): chr15-48490022-T-TAGGCAGGG. GRCh37 (hg19) VCF-style: chr15-48782219-T-TAGGCAGGG.
Other names: c.2903_2910dup, p.Ile971fs (NM_001406716.1); short protein forms I971fs.
Identifiers: ClinVar variation 1325489 (VCV001325489.2), dbSNP rs2141297429, ClinGen allele CA2573150772.
Genomic context (GRCh38, chr15:48,490,022, plus strand): 5'-CAGTACCCCAGGCTGCCCCGACGGAGCAGCAGCAGGCGTCCATGCGGTGGCGGCCAGCAA[T>TAGGCAGGG]AGGCAGGGTGCACTCCTCGTCCTCGTACCTCAGGAAGCAGGTTTCCAGGCGGATATCTGT-3'

ClinVar aggregate classification (germline): Pathogenic (1 of 4 stars; one submission).

Conditions:
Marfan syndrome (MFS). Also called: Marfan syndrome type 1; Marfan's syndrome; FBN1-Related Marfan Syndrome; MARFAN SYNDROME, TYPE I; Marfan syndrome, classic. Identifiers: Orphanet 284963, Orphanet 558, MedGen C0024796, MONDO:0007947, OMIM 154700.

Submission:

Centre of Medical Genetics, University of Antwerp
Classification: Pathogenic for Marfan syndrome. Last evaluated: 2021-03-01. Review status: criteria provided, single submitter. Criteria: Submitter's publication. Collection method: research. Allele origin: unknown. Affected: yes.
Comment: PM2, PVS1, PP4